The following is an entry in ClinVar:

NM_001349798.2(FBXW7):c.501+28963T>C

Gene: FBXW7 (F-box and WD repeat domain containing 7; minus strand). Cytogenetic location: 4q31.3.
Variant type: single nucleotide variant.
Coding change: c.501+28963T>C on transcript NM_001349798.2 (MANE Select); 28963 bases into the intron after coding-DNA position 501, T replaced by C.
Molecular consequence: intron variant. On other transcripts: 5 prime UTR variant (1).
Genome position (GRCh38, 1-based): chr4:152,382,340, A>G on the plus strand (T>C on the coding strand, the complement: FBXW7 is on the minus strand). VCF-style: chr4-152382340-A-G. GRCh37 (hg19) VCF-style: chr4-153303492-A-G.
Other names: c.-5T>C (NM_001013415.2); c.501+28963T>C (NM_033632.3).
Identifiers: ClinVar variation 3061611 (VCV003061611.2), dbSNP rs2530611888, ClinGen allele CA2578213422.

ClinVar aggregate classification (germline): Likely benign (0 of 4 stars; one submission).

Conditions:
FBXW7-related disorder. Also called: FBXW7-related disorders; FBXW7-related condition.

Submission:

PreventionGenetics, part of Exact Sciences
Classification: Likely benign for FBXW7-related condition. Last evaluated: 2021-09-28. Review status: no assertion criteria provided. Collection method: clinical testing. Allele origin: germline.
Comment: This variant is classified as likely benign based on ACMG/AMP sequence variant interpretation guidelines (Richards et al. 2015 PMID: 25741868, with internal and published modifications).